The following is an entry in ClinVar:

NM_001035.3(RYR2):c.5098G>A (p.Ala1700Thr)

Gene: RYR2 (ryanodine receptor 2; plus strand). Cytogenetic location: 1q43.
Variant type: single nucleotide variant.
Coding change: c.5098G>A on transcript NM_001035.3 (MANE Select); coding-DNA position 5098, G replaced by A.
Protein change: p.Ala1700Thr; replaces alanine 1700 with threonine.
Molecular consequence: missense variant.
Genome position (GRCh38, 1-based): chr1:237,614,226, G>A. VCF-style: chr1-237614226-G-A. GRCh37 (hg19) VCF-style: chr1-237777526-G-A.
Other names: short protein forms A1700T.
Identifiers: ClinVar variation 4863727 (VCV004863727.1).

ClinVar aggregate classification (germline): Uncertain significance (1 of 4 stars; one submission).

Conditions:
Cardiovascular phenotype. Identifiers: MedGen CN230736.

Submission:

Ambry Genetics
Classification: Uncertain significance for Cardiovascular phenotype. Last evaluated: 2026-05-28. Review status: criteria provided, single submitter. Criteria: Ambry Variant Classification Scheme 2023. Collection method: clinical testing. Allele origin: germline.
Comment: The p.A1700T variant (also known as c.5098G>A), located in coding exon 37 of the RYR2 gene, results from a G to A substitution at nucleotide position 5098. The alanine at codon 1700 is replaced by threonine, an amino acid with similar properties. This amino acid position is conserved. In addition, this alteration is predicted to be tolerated by in silico analysis. Based on the available evidence, the clinical significance of this variant remains unclear.